The following is an entry in ClinVar:

NM_007294.4(BRCA1):c.137T>G (p.Phe46Cys)

Gene: BRCA1 (BRCA1 DNA repair associated; minus strand). Cytogenetic location: 17q21.31.
Variant type: single nucleotide variant.
Coding change: c.137T>G on transcript NM_007294.4 (MANE Select); coding-DNA position 137, T replaced by G.
Protein change: p.Phe46Cys; replaces phenylalanine 46 with cysteine.
Molecular consequence: missense variant. On other transcripts: 5 prime UTR variant (1), non-coding transcript variant (1).
Genome position (GRCh38, 1-based): chr17:43,106,531, A>C on the plus strand (T>G on the coding strand, the complement: BRCA1 is on the minus strand). VCF-style: chr17-43106531-A-C. GRCh37 (hg19) VCF-style: chr17-41258548-A-C.
Other names: c.-52T>G (NM_001407571.1, NM_001407853.1, NM_001407879.1 and 58 more transcripts); c.137T>G, p.Phe46Cys (NM_001407581.1, NM_001407582.1, NM_001407583.1 and 168 more transcripts); c.-5T>G (NM_001407724.1, NM_001407725.1, NM_001407726.1 and 99 more transcripts); short protein forms F46C.
Identifiers: ClinVar variation 867881 (VCV000867881.3), dbSNP rs2054796108, ClinGen allele CA10601879.

Conditions:
Breast-ovarian cancer, familial, susceptibility to, 1 (BROVCA1). Also called: BRCA1 Hereditary Breast and Ovarian Cancer; OVARIAN CANCER, SUSCEPTIBILITY TO. Identifiers: Orphanet 145, MedGen C2676676, MONDO:0011450, OMIM 604370. Disease mechanism: loss of function.

Submission:

Brotman Baty Institute, University of Washington
No classification provided (evidence only). Condition: Breast-ovarian cancer, familial 1. Review status: no classification provided. Collection method: in vitro. Allele origin: not applicable. Functional consequence: functionally_normal.
ClinVar note: "not provided" was previously submitted as the classification for the variant. However, the classification appeared to be based only on an observation of functional data so it was converted to no classification on 2025-07-30.